The following is an entry in ClinVar:

NM_006514.4(SCN10A):c.643C>T (p.Arg215Trp)

Gene: SCN10A (sodium voltage-gated channel alpha subunit 10; minus strand). Cytogenetic location: 3p22.2.
Variant type: single nucleotide variant.
Coding change: c.643C>T on transcript NM_006514.4 (MANE Select); coding-DNA position 643, C replaced by T.
Protein change: p.Arg215Trp; replaces arginine 215 with tryptophan.
Molecular consequence: missense variant.
Genome position (GRCh38, 1-based): chr3:38,763,553, G>A on the plus strand (C>T on the coding strand, the complement: SCN10A is on the minus strand). VCF-style: chr3-38763553-G-A. GRCh37 (hg19) VCF-style: chr3-38805044-G-A.
Other names: c.643C>T, p.Arg215Trp (NM_001293306.2, NM_001293307.2); short protein forms R215W.
Identifiers: ClinVar variation 1207452 (VCV001207452.5), dbSNP rs774876702, ClinGen allele CA2321122.

ClinVar aggregate classification (germline): Uncertain significance. Review status: criteria provided, multiple submitters, no conflicts (2 of 4 stars). 2 submissions from 2 submitters: Uncertain significance (2). Last evaluated 2023-02-23.

Conditions:
Cardiovascular phenotype. Identifiers: MedGen CN230736.

Allele frequency attached by ClinVar (database versions not stated): ExAC 0.00002; gnomAD exomes 0.00002.

Submissions (2):

Ambry Genetics
Classification: Uncertain significance for Cardiovascular phenotype. Last evaluated: 2023-02-23. Review status: criteria provided, single submitter. Criteria: Ambry Variant Classification Scheme 2023. Collection method: clinical testing. Allele origin: germline.
Comment: The p.R215W variant (also known as c.643C>T), located in coding exon 5 of the SCN10A gene, results from a C to T substitution at nucleotide position 643. The arginine at codon 215 is replaced by tryptophan, an amino acid with dissimilar properties. This amino acid position is conserved. In addition, this alteration is predicted to be deleterious by in silico analysis. Since supporting evidence is limited at this time, the clinical significance of this alteration remains unclear.

GeneDx
Classification: Uncertain significance. Last evaluated: 2020-02-21. Review status: criteria provided, single submitter. Criteria: GeneDx Variant Classification Process June 2021. Collection method: clinical testing. Allele origin: germline. Affected: yes.
Comment: In silico analysis supports that this missense variant has a deleterious effect on protein structure/function; Has not been previously published as pathogenic or benign to our knowledge